The following is an entry in ClinVar:

ClinVar aggregate classification (germline): Uncertain significance. Review status: criteria provided, multiple submitters, no conflicts (2 of 4 stars). 3 submissions from 3 submitters: Uncertain significance (3). Last evaluated 2026-02-01.

Conditions:
Inborn genetic diseases. Identifiers: MedGen C0950123, MeSH D030342.

gnomAD v4.1: 28 of 1,613,964 alleles (0.0017%); highest among the groups gnomAD compares: Non-Finnish European, 0.0021%; no homozygotes.

Submissions (3):

CeGaT Center for Human Genetics Tuebingen
Classification: Uncertain significance. Last evaluated: 2026-02-01. Review status: criteria provided, single submitter. Criteria: CeGaT Center For Human Genetics Tuebingen Variant Classification Criteria Version 2. Collection method: clinical testing. Allele origin: germline. Affected: yes. Observed: 1 variant allele.
Comment: ORC1: PM2:Supporting

Ambry Genetics
Classification: Uncertain significance for Inborn genetic diseases. Last evaluated: 2025-11-20. Review status: criteria provided, single submitter. Criteria: Ambry Variant Classification Scheme 2023. Collection method: clinical testing. Allele origin: germline.

Blueprint Genetics
Classification: Uncertain significance. Last evaluated: 2024-11-12. Review status: criteria provided, single submitter. Criteria: ACMG Guidelines, 2015. Collection method: clinical testing. Allele origin: germline.

NM_004153.4(ORC1):c.1882C>T (p.His628Tyr)

Gene: ORC1 (origin recognition complex subunit 1; minus strand). Cytogenetic location: 1p32.3.
Variant type: single nucleotide variant.
Coding change: c.1882C>T on transcript NM_004153.4 (MANE Select); coding-DNA position 1882, C replaced by T.
Protein change: p.His628Tyr; replaces histidine 628 with tyrosine.
Molecular consequence: missense variant.
Genome position (GRCh38, 1-based): chr1:52,383,551, G>A on the plus strand (C>T on the coding strand, the complement: ORC1 is on the minus strand). VCF-style: chr1-52383551-G-A. GRCh37 (hg19) VCF-style: chr1-52849223-G-A.
Other names: c.1882C>T, p.His628Tyr (NM_001190818.2); c.1867C>T, p.His623Tyr (NM_001190819.2); short protein forms H623Y, H628Y.
Identifiers: ClinVar variation 4626682 (VCV004626682.6).